The following is an entry in ClinVar:

NM_018706.7(DHTKD1):c.1454A>G (p.Tyr485Cys)

Gene: DHTKD1 (dehydrogenase E1 and transketolase domain containing 1; plus strand). Cytogenetic location: 10p14.
Variant type: single nucleotide variant.
Coding change: c.1454A>G on transcript NM_018706.7 (MANE Select); coding-DNA position 1454, A replaced by G.
Protein change: p.Tyr485Cys; replaces tyrosine 485 with cysteine.
Molecular consequence: missense variant.
Genome position (GRCh38, 1-based): chr10:12,097,779, A>G. VCF-style: chr10-12097779-A-G. GRCh37 (hg19) VCF-style: chr10-12139778-A-G.
Other names: c.1454A>G (NM_018706.5); short protein forms Y485C.
Identifiers: ClinVar variation 2886049 (VCV002886049.4), dbSNP rs1017447763, ClinGen allele CA202586008.
Genomic context (GRCh38, chr10:12,097,779, plus strand): 5'-ACCTCATTGCTGGCGGACTCATGACGCAGGAGGAGGTGTCTGAAATAAAATCCTCCTACT[A>G]TGCCAAGTTGAATGATCACTTAAATAACATGGCCCACTACAGGCCCCCTGCCCTGAACCT-3'
Protein context (NP_061176.4, residues 475-495): EEVSEIKSSY[Tyr485Cys]AKLNDHLNNM

ClinVar aggregate classification (germline): Uncertain significance. Review status: criteria provided, multiple submitters, no conflicts (2 of 4 stars). 2 submissions from 2 submitters: Uncertain significance (2). Last evaluated 2025-02-26.

Conditions:
Inborn genetic diseases. Identifiers: MedGen C0950123, MeSH D030342.
2-aminoadipic 2-oxoadipic aciduria (AAKAD). Also called: Aminoadipic aciduria; ALPHA-AMINOADIPIC AND ALPHA-KETOADIPIC ACIDURIA. Identifiers: Orphanet 79154, MedGen C1859817, MONDO:0008774, OMIM 204750.

Allele frequency attached by ClinVar (database versions not stated): gnomAD exomes below 0.00001; gnomAD 0.00001; TOPMed 0.00001.
gnomAD v4.1: 4 of 1,614,072 alleles (0.00025%); highest among the groups gnomAD compares: Admixed American, 0.0033%; no homozygotes.

Submissions (2):

Ambry Genetics
Classification: Uncertain significance for Inborn genetic diseases. Last evaluated: 2025-02-26. Review status: criteria provided, single submitter. Criteria: Ambry Variant Classification Scheme 2023. Collection method: clinical testing. Allele origin: germline.

Labcorp Genetics (formerly Invitae), Labcorp
Classification: Uncertain significance for 2-aminoadipic 2-oxoadipic aciduria. Last evaluated: 2023-10-03. Review status: criteria provided, single submitter. Criteria: Invitae Variant Classification Sherloc (09022015). Collection method: clinical testing. Allele origin: germline.
Comment: This sequence change replaces tyrosine, which is neutral and polar, with cysteine, which is neutral and slightly polar, at codon 485 of the DHTKD1 protein (p.Tyr485Cys). This variant is not present in population databases (gnomAD no frequency). This variant has not been reported in the literature in individuals affected with DHTKD1-related conditions. Advanced modeling of protein sequence and biophysical properties (such as structural, functional, and spatial information, amino acid conservation, physicochemical variation, residue mobility, and thermodynamic stability) has been performed at Invitae for this missense variant, however the output from this modeling did not meet the statistical confidence thresholds required to predict the impact of this variant on DHTKD1 protein function. In summary, the available evidence is currently insufficient to determine the role of this variant in disease. Therefore, it has been classified as a Variant of Uncertain Significance.